The following is an entry in ClinVar:

NM_000090.4(COL3A1):c.1221dup (p.Gly408fs)

Gene: COL3A1 (collagen type III alpha 1 chain; plus strand). Cytogenetic location: 2q32.2.
Variant type: Duplication.
Coding change: c.1221dup on transcript NM_000090.4 (MANE Select); coding-DNA position 1221, one base duplicated (T; older notation c.1221dupT).
Protein change: p.Gly408fs; shifts the reading frame from glycine 408.
Molecular consequence: frameshift variant.
Genome position (GRCh38, 1-based): chr2:188,994,260, T duplicated. VCF-style (leftmost placement, unchanged base first): chr2-188994259-C-CT. GRCh37 (hg19) VCF-style: chr2-189858985-C-CT.
Other names: c.1221dupT (NM_000090.3); short protein forms G408fs.
Identifiers: ClinVar variation 4232246 (VCV004232246.1).

ClinVar aggregate classification (germline): Pathogenic (1 of 4 stars; one submission).

Conditions:
Familial thoracic aortic aneurysm and aortic dissection (TAAD). Also called: Thoracic aortic aneurysms and dissections. Identifiers: Orphanet 91387, MedGen C4707243, MONDO:0019625.

Submission:

Ambry Genetics
Classification: Pathogenic for Familial thoracic aortic aneurysm and aortic dissection. Last evaluated: 2025-09-12. Review status: criteria provided, single submitter. Criteria: Ambry Variant Classification Scheme 2023. Collection method: clinical testing. Allele origin: germline.
Comment: The c.1221dupT pathogenic mutation, located in coding exon 18 of the COL3A1 gene, results from a duplication of T at nucleotide position 1221, causing a translational frameshift with a predicted alternate stop codon (p.G408Wfs*15). This variant is considered to be rare based on population cohorts in the Genome Aggregation Database (gnomAD). This alteration is expected to result in loss of function by premature protein truncation or nonsense-mediated mRNA decay. As such, this alteration is interpreted as a disease-causing mutation.